The following is an entry in ClinVar:

ClinVar aggregate classification (germline): Uncertain significance (1 of 4 stars; one submission).

Submission:

Labcorp Genetics (formerly Invitae), Labcorp
Classification: Uncertain significance. Last evaluated: 2023-08-10. Review status: criteria provided, single submitter. Criteria: Invitae Variant Classification Sherloc (09022015). Collection method: clinical testing. Allele origin: germline.
Comment: This variant is not present in population databases (gnomAD no frequency). In summary, the available evidence is currently insufficient to determine the role of this variant in disease. Therefore, it has been classified as a Variant of Uncertain Significance. Advanced modeling of protein sequence and biophysical properties (such as structural, functional, and spatial information, amino acid conservation, physicochemical variation, residue mobility, and thermodynamic stability) performed at Invitae indicates that this missense variant is expected to disrupt MCM5 protein function. ClinVar contains an entry for this variant (Variation ID: 1502460). This variant has not been reported in the literature in individuals affected with MCM5-related conditions. This sequence change replaces alanine, which is neutral and non-polar, with proline, which is neutral and non-polar, at codon 102 of the MCM5 protein (p.Ala102Pro).

NM_006739.4(MCM5):c.304G>C (p.Ala102Pro)

Gene: MCM5 (minichromosome maintenance complex component 5; plus strand). Cytogenetic location: 22q12.3.
Variant type: single nucleotide variant.
Coding change: c.304G>C on transcript NM_006739.4 (MANE Select); coding-DNA position 304, G replaced by C.
Protein change: p.Ala102Pro; replaces alanine 102 with proline.
Molecular consequence: missense variant.
Genome position (GRCh38, 1-based): chr22:35,403,423, G>C. VCF-style: chr22-35403423-G-C. GRCh37 (hg19) VCF-style: chr22-35799416-G-C.
Other names: short protein forms A102P.
Identifiers: ClinVar variation 1502460 (VCV001502460.8), dbSNP rs2145782642, ClinGen allele CA411359992.